The following is an entry in ClinVar:

ClinVar aggregate classification (germline): Likely benign (0 of 4 stars; one submission).

Conditions:
FMN2-related disorder. Also called: FMN2-related condition.

gnomAD v4.1: 9 of 1,613,696 alleles (0.00056%); highest among the groups gnomAD compares: African/African-American, 0.011%; no homozygotes.

Submission:

PreventionGenetics, part of Exact Sciences
Classification: Likely benign for FMN2-related condition. Last evaluated: 2019-02-22. Review status: no assertion criteria provided. Collection method: clinical testing. Allele origin: germline.
Comment: This variant is classified as likely benign based on ACMG/AMP sequence variant interpretation guidelines (Richards et al. 2015 PMID: 25741868, with internal and published modifications).

NM_020066.5(FMN2):c.3867T>C (p.Pro1289=)

Gene: FMN2 (formin 2; plus strand). Cytogenetic location: 1q43.
Variant type: single nucleotide variant.
Coding change: c.3867T>C on transcript NM_020066.5 (MANE Select); coding-DNA position 3867, T replaced by C.
Protein change: p.Pro1289=; no amino-acid change (proline 1289 retained).
Molecular consequence: synonymous variant. On other transcripts: intron variant (1).
Genome position (GRCh38, 1-based): chr1:240,208,679, T>C. VCF-style: chr1-240208679-T-C. GRCh37 (hg19) VCF-style: chr1-240371979-T-C.
Other names: c.3879T>C, p.Pro1293= (NM_001305424.2); c.1986+20417T>C (NM_001348094.2).
Identifiers: ClinVar variation 3354493 (VCV003354493.1).